The following is an entry in ClinVar:

ClinVar aggregate classification (germline): Conflicting classifications of pathogenicity. Review status: criteria provided, conflicting classifications (1 of 4 stars). 2 submissions from 2 submitters: Uncertain significance (1); Likely benign (1). Last evaluated 2025-08-29.

Conditions:
RELN-related disorder. Also called: RELN-related condition.
Norman-Roberts syndrome (LIS2). Also called: Lissencephaly 2 (Norman-Roberts type). Identifiers: Orphanet 89844, MedGen C0796089, MONDO:0009760, OMIM 257320.
Familial temporal lobe epilepsy 7. Identifiers: Orphanet 101046, MedGen C4225327, MONDO:0014639, OMIM 616436.

Allele frequency attached by ClinVar (database versions not stated): gnomAD 0.00003; gnomAD exomes 0.00004; TOPMed 0.00004; ExAC 0.00007; ESP Exome Variant Server 0.00008.
gnomAD v4.1: 67 of 1,613,760 alleles (0.0042%); highest among the groups gnomAD compares: Middle Eastern, 0.016%; no homozygotes.

Submissions (2):

Labcorp Genetics (formerly Invitae), Labcorp
Classification: Likely benign for Familial temporal lobe epilepsy 7; Norman-Roberts syndrome. Last evaluated: 2025-08-29. Review status: criteria provided, single submitter. Criteria: Invitae Variant Classification Sherloc (09022015). Collection method: clinical testing. Allele origin: germline.

PreventionGenetics, part of Exact Sciences
Classification: Uncertain significance for RELN-related condition. Last evaluated: 2025-08-05. Review status: criteria provided, single submitter. Criteria: ACMG Guidelines, 2015. Collection method: clinical testing. Allele origin: germline.
Comment: The RELN c.3029G>A variant is predicted to result in the amino acid substitution p.Arg1010His. In Vitro functional studies also indicate this variant impacts protein secretion (Wu et al. 2023. PubMed ID: 37625192). This variant is reported in 0.0085% of alleles in individuals of European (Non-Finnish) descent in gnomAD. At this time, the clinical significance of this variant is uncertain due to the absence of conclusive functional and genetic evidence.

NM_005045.4(RELN):c.3029G>A (p.Arg1010His)

Gene: RELN (reelin; minus strand). Cytogenetic location: 7q22.1.
Variant type: single nucleotide variant.
Coding change: c.3029G>A on transcript NM_005045.4 (MANE Select); coding-DNA position 3029, G replaced by A.
Protein change: p.Arg1010His; replaces arginine 1010 with histidine.
Molecular consequence: missense variant.
Genome position (GRCh38, 1-based): chr7:103,604,463, C>T on the plus strand (G>A on the coding strand, the complement: RELN is on the minus strand). VCF-style: chr7-103604463-C-T. GRCh37 (hg19) VCF-style: chr7-103244910-C-T.
Other names: c.3029G>A, p.Arg1010His (NM_173054.3); short protein forms R1010H.
Identifiers: ClinVar variation 933575 (VCV000933575.8), dbSNP rs373089551, ClinGen allele CA4421866.